The following is an entry in ClinVar:

ClinVar aggregate classification (germline): Benign. Review status: criteria provided, multiple submitters, no conflicts (2 of 4 stars). 11 submissions from 11 submitters: Benign (8). 3 of the submissions do not count toward it. Last evaluated 2025-07-30.

Conditions:
Cardiovascular phenotype. Identifiers: MedGen CN230736.
RASopathy. Also called: rasopathies; Noonan spectrum disorder. Identifiers: Orphanet 536391, MedGen C5555857, MONDO:0021060.

Allele frequency attached by ClinVar (database versions not stated): 1000 Genomes Project 30x 0.99750; TOPMed 0.99786; gnomAD 0.99825 and 0.99841; gnomAD exomes 0.99987.

Submissions (11):

ARUP Laboratories, Molecular Genetics and Genomics, ARUP Laboratories
Classification: Benign. Last evaluated: 2025-07-30. Review status: criteria provided, single submitter. Criteria: ARUP Molecular Germline Variant Investigation Process 2024. Collection method: clinical testing. Allele origin: germline.

Labcorp Genetics (formerly Invitae), Labcorp
Classification: Benign for RASopathy. Last evaluated: 2025-07-17. Review status: criteria provided, single submitter. Criteria: Invitae Variant Classification Sherloc (09022015). Collection method: clinical testing. Allele origin: germline.

Blueprint Genetics
Classification: Benign. Last evaluated: 2024-11-27. Review status: criteria provided, single submitter. Criteria: ACMG Guidelines, 2015. Collection method: clinical testing. Allele origin: germline.

Ambry Genetics
Classification: Benign for Cardiovascular phenotype. Last evaluated: 2016-07-19. Review status: criteria provided, single submitter. Criteria: Ambry Variant Classification Scheme 2023. Collection method: clinical testing. Allele origin: germline.

GeneDx
Classification: Benign. Last evaluated: 2014-01-17. Review status: criteria provided, single submitter. Criteria: GeneDx Variant Classification (06012015). Collection method: clinical testing. Allele origin: germline. Affected: yes.
Comment: This variant is considered likely benign or benign based on one or more of the following criteria: it is a conservative change, it occurs at a poorly conserved position in the protein, it is predicted to be benign by multiple in silico algorithms, and/or has population frequency not consistent with disease.

Laboratory for Molecular Medicine, Mass General Brigham Personalized Medicine
Classification: Benign. Last evaluated: 2012-07-31. Review status: criteria provided, single submitter. Criteria: LMM Criteria. Collection method: clinical testing. Allele origin: germline. Observed: 1,405 variant alleles.

Breakthrough Genomics
Classification: Benign. Review status: criteria provided, single submitter. Criteria: ACMG Guidelines, 2015. Collection method: not provided. Allele origin: germline. Inheritance: Autosomal dominant inheritance. Affected: yes.

PreventionGenetics, part of Exact Sciences
Classification: Benign. Review status: criteria provided, single submitter. Criteria: ACMG Guidelines, 2015. Collection method: clinical testing. Allele origin: germline.

Baylor Genetics
Classification: Benign for Rasopathy. Review status: no assertion criteria provided. Collection method: clinical testing. Allele origin: unknown. Affected: yes. Not counted in ClinVar's aggregate classification.
Comment: Variant classified using ACMG guidelines

Clinical Genetics, Academic Medical Center
Classification: Benign. Review status: no assertion criteria provided. Collection method: clinical testing. Allele origin: germline. Affected: yes. Study: VKGL Data-share Consensus. Not counted in ClinVar's aggregate classification.

Diagnostic Laboratory, Department of Genetics, University Medical Center Groningen
Classification: Benign. Review status: no assertion criteria provided. Collection method: clinical testing. Allele origin: germline. Affected: yes. Study: VKGL Data-share Consensus. Not counted in ClinVar's aggregate classification.

NM_004985.5(KRAS):c.451-5617=

Gene: KRAS (KRas proto-oncogene, GTPase; minus strand). Cytogenetic location: 12p12.1.
Variant type: single nucleotide variant.
Coding change: c.451-5617= on transcript NM_004985.5 (MANE Select); 5617 bases into the intron before coding-DNA position 451, no change from the reference sequence.
Molecular consequence: intron variant. On other transcripts: no sequence alteration (2).
Genome position: GRCh38 VCF-style: chr12-25215528-T-T. GRCh37 (hg19) VCF-style: chr12-25368462-C-T.
Other names: p.R161R:AGG>AGA; c.483=, p.Arg161= (NM_001369786.1, NM_033360.4); c.451-5617= (NM_001369787.1).
Identifiers: ClinVar variation 46538 (VCV000046538.25), dbSNP rs4362222.
Genomic context (GRCh38, chr12:25,215,528, plus strand): 5'-CACACAGCCAGGAGTCTTTTCTTCTTTGCTGATTTTTTTCAATCTGTATTGTCGGATCTC[T=]CTCACCAATGTATAAAAAGCATCCTCCACTCTCTGCATTGTAAAACACAACTTCTTTAAA-3'